The following is an entry in ClinVar:

NM_147127.5(EVC2):c.3837G>A (p.Lys1279=)

Gene: EVC2 (EvC ciliary complex subunit 2; minus strand). Cytogenetic location: 4p16.2.
Variant type: single nucleotide variant.
Coding change: c.3837G>A on transcript NM_147127.5 (MANE Select); coding-DNA position 3837, G replaced by A.
Protein change: p.Lys1279=; no amino-acid change (lysine 1279 retained).
Molecular consequence: synonymous variant.
Genome position (GRCh38, 1-based): chr4:5,562,938, C>T on the plus strand (G>A on the coding strand, the complement: EVC2 is on the minus strand). VCF-style: chr4-5562938-C-T. GRCh37 (hg19) VCF-style: chr4-5564665-C-T.
Other names: c.3597G>A, p.Lys1199= (NM_001166136.2).
Identifiers: ClinVar variation 262616 (VCV000262616.18), dbSNP rs201651890, ClinGen allele CA2834174.

ClinVar aggregate classification (germline): Conflicting classifications of pathogenicity. Review status: criteria provided, conflicting classifications (1 of 4 stars). 6 submissions from 6 submitters: Uncertain significance (1); Likely benign (5). Last evaluated 2026-01-20.

Conditions:
Ellis-van Creveld syndrome (EVC). Also called: MESOECTODERMAL DYSPLASIA; Chondroectodermal dysplasia. Identifiers: Orphanet 289, MedGen C0013903, MONDO:0009162, OMIM 225500.
Curry-Hall syndrome (WAD). Also called: WEYERS ACRODENTAL DYSOSTOSIS. Identifiers: Orphanet 952, MedGen C0457013, MONDO:0008673, OMIM 193530.

Allele frequency attached by ClinVar (database versions not stated): gnomAD 0.00006 and 0.00007; TOPMed 0.00010; 1000 Genomes Project 30x 0.00016; 1000 Genomes Project 0.00020.
gnomAD v4.1: 71 of 1,614,072 alleles (0.0044%); highest among the groups gnomAD compares: Middle Eastern, 0.26%; no homozygotes.

Submissions (6):

Labcorp Genetics (formerly Invitae), Labcorp
Classification: Likely benign for Curry-Hall syndrome; Ellis-van Creveld syndrome. Last evaluated: 2026-01-20. Review status: criteria provided, single submitter. Criteria: Invitae Variant Classification Sherloc (09022015). Collection method: clinical testing. Allele origin: germline.

ARUP Laboratories, Molecular Genetics and Genomics, ARUP Laboratories
Classification: Likely benign. Last evaluated: 2025-06-11. Review status: criteria provided, single submitter. Criteria: ARUP Molecular Germline Variant Investigation Process 2024. Collection method: clinical testing. Allele origin: germline.

Blueprint Genetics
Classification: Likely benign. Last evaluated: 2024-09-02. Review status: criteria provided, single submitter. Criteria: ACMG Guidelines, 2015. Collection method: clinical testing. Allele origin: germline.

Illumina Laboratory Services, Illumina
Classification: Uncertain significance for Ellis-van Creveld syndrome. Last evaluated: 2018-01-12. Review status: criteria provided, single submitter. Criteria: ICSL Variant Classification Criteria 13 December 2019. Collection method: clinical testing. Allele origin: germline.

GeneDx
Classification: Likely benign. Last evaluated: 2017-03-09. Review status: criteria provided, single submitter. Criteria: GeneDx Variant Classification (06012015). Collection method: clinical testing. Allele origin: germline. Affected: yes.
Comment: This variant is considered likely benign or benign based on one or more of the following criteria: it is a conservative change, it occurs at a poorly conserved position in the protein, it is predicted to be benign by multiple in silico algorithms, and/or has population frequency not consistent with disease.

PreventionGenetics, part of Exact Sciences
Classification: Likely benign. Review status: criteria provided, single submitter. Criteria: ACMG Guidelines, 2015. Collection method: clinical testing. Allele origin: germline.